The following is an entry in ClinVar:

ClinVar aggregate classification (germline): Uncertain significance (1 of 4 stars; one submission).

Submission:

GeneDx
Classification: Uncertain significance. Last evaluated: 2022-09-26. Review status: criteria provided, single submitter. Criteria: GeneDx Variant Classification Process June 2021. Collection method: clinical testing. Allele origin: germline. Affected: yes.
Comment: Not observed at significant frequency in large population cohorts (gnomAD); In silico analysis supports that this missense variant has a deleterious effect on protein structure/function; Has not been previously published as pathogenic or benign to our knowledge

NM_003412.4(ZIC1):c.1217C>T (p.Pro406Leu)

Gene: ZIC1 (Zic family member 1; plus strand). Cytogenetic location: 3q24.
Variant type: single nucleotide variant.
Coding change: c.1217C>T on transcript NM_003412.4 (MANE Select); coding-DNA position 1217, C replaced by T.
Protein change: p.Pro406Leu; replaces proline 406 with leucine.
Molecular consequence: missense variant.
Genome position (GRCh38, 1-based): chr3:147,413,424, C>T. VCF-style: chr3-147413424-C-T. GRCh37 (hg19) VCF-style: chr3-147131211-C-T.
Other names: short protein forms P406L.
Identifiers: ClinVar variation 2446320 (VCV002446320.1), dbSNP rs2473127150, ClinGen allele CA354898505.